The following is an entry in ClinVar:

NM_004168.4(SDHA):c.1351C>T (p.Arg451Cys)

Gene: SDHA (succinate dehydrogenase complex flavoprotein subunit A; plus strand). Cytogenetic location: 5p15.33.
Variant type: single nucleotide variant.
Coding change: c.1351C>T on transcript NM_004168.4 (MANE Select); coding-DNA position 1351, C replaced by T.
Protein change: p.Arg451Cys; replaces arginine 451 with cysteine.
Molecular consequence: missense variant.
Genome position (GRCh38, 1-based): chr5:236,518, C>T. VCF-style: chr5-236518-C-T. GRCh37 (hg19) VCF-style: chr5-236633-C-T.
Other names: c.1207C>T, p.Arg403Cys (NM_001294332.2); c.1351C>T, p.Arg451Cys (NM_001330758.2); short protein forms R451C, R403C.
Identifiers: ClinVar variation 449389 (VCV000449389.30), dbSNP rs1553999752, ClinGen allele CA359013985.

ClinVar aggregate classification (germline): Conflicting classifications of pathogenicity. Review status: criteria provided, conflicting classifications (1 of 4 stars). 9 submissions from 9 submitters: Pathogenic (1); Likely pathogenic (4); Uncertain significance (2); VUS-mid (1). 1 of the submissions does not count toward it. Last evaluated 2026-01-15.

Conditions:
Neurodegeneration with ataxia and late-onset optic atrophy. Identifiers: MedGen C5543254, MONDO:0031006, OMIM 619259.
SDHA-related disorder. Also called: SDHA-related disorders; SDHA-related condition.
Pheochromocytoma/paraganglioma syndrome 5. Also called: Paragangliomas 5; SDHA-Related Hereditary Paraganglioma-Pheochromocytoma Syndrome. Identifiers: Orphanet 29072, MedGen C3279992, MONDO:0013602, OMIM 614165.
Mitochondrial complex II deficiency, nuclear type 1. Also called: SUCCINATE CoQ REDUCTASE DEFICIENCY. Identifiers: Orphanet 3208, MedGen C5700310, MONDO:0100294, OMIM 252011.
Hereditary cancer-predisposing syndrome. Also called: Tumor predisposition; Neoplastic Syndromes, Hereditary; Hereditary Cancer Syndrome; Hereditary neoplastic syndrome. Identifiers: Orphanet 140162, MedGen C0027672, MeSH D009386, MONDO:0015356.
Gastrointestinal stromal tumor. Also called: Gastrointestinal stroma tumor; Gastrointestinal stromal tumor, somatic. Identifiers: Orphanet 44890, MedGen C0238198, MeSH D046152, MONDO:0011719, OMIM 606764, HP:0100723.
Dilated cardiomyopathy 1GG (CMD1GG). Identifiers: Orphanet 154, MedGen C3150898, MONDO:0013339, OMIM 613642.

Submissions (9):

GeneDx
Classification: Uncertain significance. Last evaluated: 2026-01-15. Review status: criteria provided, single submitter. Criteria: GeneDx Variant Classification Process June 2021. Collection method: clinical testing. Allele origin: germline. Affected: yes.
Comment: Heterozygous in affected individuals from two unrelated families presenting with ataxia, optic atrophy, and neurodegeneration with one family also with cardiomyopathy (PMID: 27683074, 10976639); Functional studies suggest a damaging effect: variant is associated with decreased or impaired SDH complex activity, but it is unclear if the mechanism is by a true loss of function or dominant negative effect (PMID: 10976639, 28724664, 39321216); A different missense change at this residue p.(R451H) has been reported in individuals with SDHA-related tumors; however, this variant has not, to our knowledge, been reported in individuals with SDHA-related tumors (PMID: 26700204, 28724664, 29177515); Not observed at significant frequency in large population cohorts (gnomAD); In silico analysis supports that this missense variant has a deleterious effect on protein structure/function; This variant is associated with the following publications: (PMID: 28724664, 37215497, 39321216, 39541765, Brown2025[abstract], 8967754, 27683074, 10976639, 26700204, 29177515)

Ambry Genetics
Classification: Likely pathogenic for Hereditary cancer-predisposing syndrome. Last evaluated: 2026-01-13. Review status: criteria provided, single submitter. Criteria: Ambry Variant Classification Scheme 2023. Collection method: clinical testing. Allele origin: germline.
Comment: The p.R451C variant (also known as c.1351C>T), located in coding exon 10 of the SDHA gene, results from a C to T substitution at nucleotide position 1351. The arginine at codon 451 is replaced by cysteine, an amino acid with highly dissimilar properties. This alteration has been reported (designated as 1375C>T, R408C) in two siblings with late-onset neurodegenerative disease, characterized by progressive optic atrophy, ataxia, and myopathy (Birch-Machin MA et al. Ann. Neurol., 2000 Sep;48:330-5). This alteration also segregated with disease in three individuals from a family with phenotype consistent with an autosomal dominant form of mitochondrial complex II deficiency (Courage C et al. Am. J. Med. Genet. A, 2017 Jan;173:225-230). Functional studies have demonstrated that p.R451C results in reduced protein activity (Birch-Machin MA et al. Ann. Neurol., 2000 Sep;48:330-5; Courage C et al. Am. J. Med. Genet. A, 2017 Jan;173:225-230; Bannon A et al. Clin. Cancer Res. 2017 Nov;23(21):6733-6743). Based on internal structural analysis, this variant likely disrupts the local structure of a ligand binding site in the SDHA protein (Sun F et al. Cell. 2005 Jul;121:1043-57; Iverson TM et al. J. Biol. Chem. 2012 Oct;287:35430-8; Inaoka DK et al. Int J Mol Sci. 2015 Jul;16:15287-308). Another alteration at this position, p.R451H (c.1352G>A), has been reported in individuals with SDHA-associated tumors (Toledo R et al. Clin. Cancer Res. 2016 05;22(9):2301-10; Bannon A et al. Clin. Cancer Res. 2017 Nov;23(21):6733-6743; van der Tuin K et al.J. Clin. Endocrinol. Metab. 2018 02;103(2):438-445). This variant was not reported in population-based cohorts in the Genome Aggregation Database (gnomAD). This amino acid position is highly conserved in available vertebrate species. In addition, this alteration is predicted to be deleterious by in silico analysis. Based on the majority of available evidence to date, this variant is likely to be pathogenic.

Center for Molecular Medicine, Children’s Hospital of Fudan University
Classification: VUS-mid for Dilated cardiomyopathy 1GG. Last evaluated: 2025-12-12. Review status: criteria provided, single submitter. Criteria: ACMG Guidelines 2015. Collection method: clinical testing. Allele origin: unknown. Affected: yes.
Comment: PS3_Supp+PM2_Supp+PP3

Labcorp Genetics (formerly Invitae), Labcorp
Classification: Likely pathogenic for Pheochromocytoma/paraganglioma syndrome 5; Mitochondrial complex II deficiency, nuclear type 1. Last evaluated: 2025-06-30. Review status: criteria provided, single submitter. Criteria: Invitae Variant Classification Sherloc (09022015). Collection method: clinical testing. Allele origin: germline.
Comment: This sequence change replaces arginine, which is basic and polar, with cysteine, which is neutral and slightly polar, at codon 451 of the SDHA protein (p.Arg451Cys). This variant is not present in population databases (gnomAD no frequency). This missense change has been observed in individuals with clinical features of autosomal dominant complex II deficiency (PMID: 10976639, 27683074). It has also been observed to segregate with disease in related individuals. This variant is also known as C1375T (Arg408Cys). ClinVar contains an entry for this variant (Variation ID: 449389). Invitae Evidence Modeling of protein sequence and biophysical properties (such as structural, functional, and spatial information, amino acid conservation, physicochemical variation, residue mobility, and thermodynamic stability) has been performed for this missense variant. However, the output from this modeling did not meet the statistical confidence thresholds required to predict the impact of this variant on SDHA protein function. Experimental studies have shown that this missense change affects SDHA function (PMID: 10976639, 28724664). In summary, the currently available evidence indicates that the variant is pathogenic, but additional data are needed to prove that conclusively. Therefore, this variant has been classified as Likely Pathogenic.

PreventionGenetics, part of Exact Sciences
Classification: Likely pathogenic for SDHA-related condition. Last evaluated: 2025-05-12. Review status: criteria provided, single submitter. Criteria: ACMG Guidelines, 2015. Collection method: clinical testing. Allele origin: germline.
Comment: The SDHA c.1351C>T variant is predicted to result in the amino acid substitution p.Arg451Cys. This variant in the heterozygous state was reported in patients with mitochondrial complex II deficiency and neurodegeneration with ataxia and late-onset optic atrophy (reported as C1375T in Birch-Machin et al. 2000. PubMed ID: 10976639; Courage et al. 2017. PubMed ID: 27683074). In vitro experimental studies have found that this variant leads to a loss of complex II function by disrupting both substrate and FAD cofactor binding (Birch-Machin et al. 2000. PubMed ID: 10976639; Bannon et al. 2017. PubMed ID: 28724664). Of note, another missense variant affecting the same amino acid (p.Arg451His) has also been associated with head neck paraganglioma (Van der Tuin et al. 2017. PubMed ID: 29177515). The p.Arg451Cys variant has not been reported in a large population database (gnomAD), and has conflicting interpretations in ClinVar ranging from uncertain to pathogenic. Taken together, the p.Arg451Cys variant is interpreted as likely pathogenic.

Rady Children's Institute for Genomic Medicine, Rady Children's Hospital San Diego
Classification: Likely pathogenic for SDHA-related disorders. Last evaluated: 2025-04-15. Review status: criteria provided, single submitter. Criteria: ACMG Guidelines, 2015. Collection method: clinical testing. Allele origin: germline. Affected: yes.
Comment: This variant is also referred to as c.1375C>T (p.Arg408Cys) in the literature. This variant has been previously reported as a heterozygous change in patients with variable presentations of autosomal dominant mitochondrial complex II deficiency, ranging from infantile-onset cardiomyopathy to late-onset optic atrophy, ataxia, and myopathy (PMID: 27683074, 10976639). Additionally, another missense change at the same codon (p.Arg451His) has been reported as a heterozygous variant in individuals with paraganglioma (PMID: 29177515, 26700204), with functional evidence supporting a loss of function effect for the variant (PMID: 28724664). The c.1351C>T (p.Arg451Cys) variant affects a highly conserved amino acid and is predicted by multiple in silico tools to have a deleterious effect on protein function. Functional studies indicate this variant leads to decreased enzyme activity and an inability to bind flavin adenine dinucleotide covalently, which is consistent with the observed decrease in complex II and SDH activities in fibroblasts or skeletal muscle in affected individuals (PMID: 27683074, 10976639, 39321216, 28724664). The c.1351C>T (p.Arg451Cys) variant is absent from the latest version of the gnomAD population database and thus is presumed to be rare. Based on the available evidence, c.1351C>T (p.Arg451Cys) is classified as Likely Pathogenic.

3billion
Classification: Pathogenic for Mitochondrial complex II deficiency, nuclear type 1. Last evaluated: 2023-02-23. Review status: criteria provided, single submitter. Criteria: ACMG Guidelines, 2015. Collection method: clinical testing. Allele origin: unknown. Affected: yes.
Comment: The variant is not observed in the gnomAD v2.1.1 dataset. Protein truncation variants are a common disease-causing mechanism. Functional studies provide strong evidence of the variant having a damaging effect on the gene or gene product (PMID: 10976639). In silico tool predictions suggest damaging effect of the variant on gene or gene product (REVEL: 0.70; 3Cnet: 0.75). Same nucleotide change resulting in same amino acid change (ClinVar ID: VCV000449389) and different missense changes at the same codon (p.Arg451His, p.Arg451Ser / ClinVar ID: VCV000581412, VCV000969346) have been previously reported as pathogenic/likely pathogenic with strong evidence. Therefore, this variant is classified as Pathogenic according to the recommendation of ACMG/AMP guideline.

“Giorgio Prodi” Cancer Research Center, University of Bologna
Classification: Uncertain significance for Gastrointestinal stromal tumor. Last evaluated: 2021-10-01. Review status: criteria provided, single submitter. Criteria: ACMG Guidelines, 2015. Collection method: research. Allele origin: somatic. Affected: yes. Observed: 1 variant allele.

OMIM
Classification: Pathogenic for NEURODEGENERATION WITH ATAXIA AND LATE-ONSET OPTIC ATROPHY. Last evaluated: 2021-04-08. Review status: no assertion criteria provided. Collection method: literature only. Allele origin: germline. Not counted in ClinVar's aggregate classification.

Literature cited by the submitters: PubMed 10976639 (cited by 5 submitters); PubMed 27683074 (cited by 4 submitters); PubMed 28724664 (cited by 3 submitters); PubMed 29177515 (cited by Rady Children's Institute for Genomic Medicine, Rady Children's Hospital San Diego); PubMed 26700204 (cited by Rady Children's Institute for Genomic Medicine, Rady Children's Hospital San Diego); PubMed 39321216 (cited by Rady Children's Institute for Genomic Medicine, Rady Children's Hospital San Diego); PubMed 8967754 (cited by OMIM).